The following is an entry in ClinVar:

ClinVar aggregate classification (germline): Uncertain significance. Review status: criteria provided, multiple submitters, no conflicts (2 of 4 stars). 4 submissions from 4 submitters: Uncertain significance (4). Last evaluated 2026-04-14.

Conditions:
Inborn genetic diseases. Identifiers: MedGen C0950123, MeSH D030342.
Hereditary spastic paraplegia. Also called: Familial spastic paraparesis. Identifiers: Orphanet 685, MedGen C0037773, MONDO:0019064. Disease mechanism: loss of function.
Hereditary spastic paraplegia 39 (SPG39). Also called: Spastic Paraplegia Type 39 (SPG39); SPASTIC PARAPLEGIA 39, AUTOSOMAL RECESSIVE. Identifiers: Orphanet 139480, MedGen C2677586, MONDO:0012787, OMIM 612020.

Allele frequency attached by ClinVar (database versions not stated): gnomAD exomes 0.00001.
gnomAD v4.1: 10 of 1,605,844 alleles (0.00062%); highest among the groups gnomAD compares: Non-Finnish European, 0.00076%; no homozygotes.

Submissions (4):

Women's Health and Genetics/Laboratory Corporation of America, LabCorp
Classification: Uncertain significance. Last evaluated: 2026-04-14. Review status: criteria provided, single submitter. Criteria: LabCorp Variant Classification Summary - May 2015. Collection method: clinical testing. Allele origin: germline.
Comment: Variant summary: PNPLA6 c.3284C>T (p.Ala1095Val) results in a non-conservative amino acid change in the encoded protein sequence. Algorithms developed to predict the effect of missense changes on protein structure and function are either unavailable or do not agree on the potential impact of this missense change. Consensus agreement among computation tools predict no significant impact on normal splicing. However, these predictions have yet to be confirmed by functional studies. The frequency data for this variant in gnomAD is considered unreliable, as metrics indicate poor data quality at this position. To our knowledge, no occurrence of c.3284C>T in individuals affected with PNPLA6-related conditions and no experimental evidence demonstrating its impact on protein function have been reported. ClinVar contains an entry for this variant (Variation ID: 1041907). Based on the evidence outlined above, the variant was classified as uncertain significance.

Ambry Genetics
Classification: Uncertain significance for Inborn genetic diseases. Last evaluated: 2025-08-21. Review status: criteria provided, single submitter. Criteria: Ambry Variant Classification Scheme 2023. Collection method: clinical testing. Allele origin: germline.

Labcorp Genetics (formerly Invitae), Labcorp
Classification: Uncertain significance for Hereditary spastic paraplegia 39. Last evaluated: 2025-05-02. Review status: criteria provided, single submitter. Criteria: Invitae Variant Classification Sherloc (09022015). Collection method: clinical testing. Allele origin: germline.
Comment: This sequence change replaces alanine, which is neutral and non-polar, with valine, which is neutral and non-polar, at codon 1095 of the PNPLA6 protein (p.Ala1095Val). The frequency data for this variant in the population databases is considered unreliable, as metrics indicate poor data quality at this position in the gnomAD database. This missense change has been observed in individual(s) with hereditary spastic paraplegia (internal data). In at least one individual the data is consistent with being in trans (on the opposite chromosome) from a pathogenic variant. ClinVar contains an entry for this variant (Variation ID: 1041907). An algorithm developed to predict the effect of missense changes on protein structure and function (PolyPhen-2) suggests that this variant is likely to be tolerated. In summary, the available evidence is currently insufficient to determine the role of this variant in disease. Therefore, it has been classified as a Variant of Uncertain Significance.

Genome Diagnostics Laboratory, The Hospital for Sick Children
Classification: Uncertain significance for Hereditary spastic paraplegia. Last evaluated: 2020-01-01. Review status: criteria provided, single submitter. Criteria: ACMG Guidelines, 2015. Collection method: clinical testing. Allele origin: germline. Affected: yes.

NM_001166114.2(PNPLA6):c.3398C>T (p.Ala1133Val)

Gene: PNPLA6 (patatin like domain 6, lysophospholipase; plus strand). Cytogenetic location: 19p13.2.
Variant type: single nucleotide variant.
Coding change: c.3398C>T on transcript NM_001166114.2 (MANE Select); coding-DNA position 3398, C replaced by T.
Protein change: p.Ala1133Val; replaces alanine 1133 with valine.
Molecular consequence: missense variant.
Genome position (GRCh38, 1-based): chr19:7,558,850, C>T. VCF-style: chr19-7558850-C-T. GRCh37 (hg19) VCF-style: chr19-7623736-C-T.
Other names: c.3428C>T, p.Ala1143Val (NM_001166111.2); c.3203C>T, p.Ala1068Val (NM_001166112.2); c.3284C>T, p.Ala1095Val (NM_001166113.1, NM_006702.5); short protein forms A1095V, A1143V, A1133V, A1068V.
Identifiers: ClinVar variation 1041907 (VCV001041907.13), dbSNP rs1361220718, ClinGen allele CA403134454.
Genomic context (GRCh38, chr19:7,558,850, plus strand): 5'-TGAACATCTCTGCCCCGGGCCCCCGAGGGGAGCAGCCCGCTGACCCCCCTGGCCCCACAG[C>T]GGACATCGCCCGCAGCATGGGTGCCAAAACGGTCATCGCCATTGACGTGGGGAGCCAGGA-3'
Protein context (NP_001159586.1, residues 1123-1143): MDGGYINNLP[Ala1133Val]DIARSMGAKT